The following is an entry in ClinVar:

NM_005559.4(LAMA1):c.8711-17C>G

Gene: LAMA1 (laminin subunit alpha 1; minus strand). Cytogenetic location: 18p11.31.
Variant type: single nucleotide variant.
Coding change: c.8711-17C>G on transcript NM_005559.4 (MANE Select); 17 bases into the intron before coding-DNA position 8711, C replaced by G.
Molecular consequence: intron variant.
Genome position (GRCh38, 1-based): chr18:6,947,313, G>C on the plus strand (C>G on the coding strand, the complement: LAMA1 is on the minus strand). VCF-style: chr18-6947313-G-C. GRCh37 (hg19) VCF-style: chr18-6947312-G-C.
Identifiers: ClinVar variation 2573545 (VCV002573545.1), dbSNP rs766543425, ClinGen allele CA8880367.

ClinVar aggregate classification (germline): Uncertain significance (1 of 4 stars; one submission).

gnomAD v4.1: 13 of 1,613,164 alleles (0.00081%); highest among the groups gnomAD compares: South Asian, 0.0099%; no homozygotes.

Submission:

Women's Health and Genetics/Laboratory Corporation of America, LabCorp
Classification: Uncertain significance. Last evaluated: 2023-06-13. Review status: criteria provided, single submitter. Criteria: LabCorp Variant Classification Summary - May 2015. Collection method: clinical testing. Allele origin: germline.
Comment: Variant summary: LAMA1 c.8711-17C>G alters a non-conserved nucleotide located close to a canonical splice site and therefore could affect mRNA splicing, leading to a significantly altered protein sequence. 4/4 computational tools predict no significant impact on normal splicing. However, these predictions have yet to be confirmed by functional studies. The variant allele was found at a frequency of 2.4e-05 in 251224 control chromosomes (gnomAD). The available data on variant occurrences in the general population are insufficient to allow any conclusion about variant significance. To our knowledge, no occurrence of c.8711-17C>G in individuals affected with Ataxia-Intellectual Disability-Oculomotor Apraxia-Cerebellar Cysts Syndrome and no experimental evidence demonstrating its impact on protein function have been reported. No clinical diagnostic laboratories have submitted clinical-significance assessments for this variant to ClinVar after 2014. Based on the evidence outlined above, the variant was classified as uncertain significance.